The following is an entry in ClinVar:

ClinVar aggregate classification (germline): Conflicting classifications of pathogenicity. Review status: criteria provided, conflicting classifications (1 of 4 stars). 5 submissions from 5 submitters: Uncertain significance (4); Likely benign (1). Last evaluated 2025-12-17.

Conditions:
POLD1-related polyposis and colorectal cancer syndrome (CRCS10). Also called: Colorectal cancer 10; COLORECTAL CANCER, SUSCEPTIBILITY TO, ON CHROMOSOME 19q; Colorectal cancer, susceptibility to, 10. Identifiers: Orphanet 220460, MedGen C2675481, MONDO:0012953, OMIM 612591.
Mandibular hypoplasia-deafness-progeroid syndrome. Also called: Mandibular hypoplasia, deafness, progeroid features, and lipodystrophy syndrome. Identifiers: Orphanet 363649, MedGen C3715192, MONDO:0014157, OMIM 615381.
Immunodeficiency 120. Identifiers: MedGen C5935622, MONDO:0970994, OMIM 620836.
Hereditary cancer-predisposing syndrome. Also called: Tumor predisposition; Neoplastic Syndromes, Hereditary; Hereditary Cancer Syndrome; Hereditary neoplastic syndrome. Identifiers: Orphanet 140162, MedGen C0027672, MeSH D009386, MONDO:0015356.

Allele frequency attached by ClinVar (database versions not stated): gnomAD 0.00001; TOPMed 0.00001; gnomAD exomes 0.00003; ExAC 0.00005.

Submissions (5):

Labcorp Genetics (formerly Invitae), Labcorp
Classification: Uncertain significance for POLD1-related polyposis and colorectal cancer syndrome. Last evaluated: 2025-12-17. Review status: criteria provided, single submitter. Criteria: Invitae Variant Classification Sherloc (09022015). Collection method: clinical testing. Allele origin: germline.
Comment: This sequence change replaces valine, which is neutral and non-polar, with isoleucine, which is neutral and non-polar, at codon 261 of the POLD1 protein (p.Val261Ile). This variant is present in population databases (rs765448811, gnomAD 0.02%). This variant has not been reported in the literature in individuals affected with POLD1-related conditions. ClinVar contains an entry for this variant (Variation ID: 574107). Invitae Evidence Modeling of protein sequence and biophysical properties (such as structural, functional, and spatial information, amino acid conservation, physicochemical variation, residue mobility, and thermodynamic stability) indicates that this missense variant is not expected to disrupt POLD1 protein function with a negative predictive value of 80%. In summary, the available evidence is currently insufficient to determine the role of this variant in disease. Therefore, it has been classified as a Variant of Uncertain Significance.

Ambry Genetics
Classification: Likely benign for Hereditary cancer-predisposing syndrome. Last evaluated: 2024-10-17. Review status: criteria provided, single submitter. Criteria: Ambry Variant Classification Scheme 2023. Collection method: clinical testing. Allele origin: germline.

Fulgent Genetics
Classification: Uncertain significance for POLD1-related polyposis and colorectal cancer syndrome; Mandibular hypoplasia-deafness-progeroid syndrome; Immunodeficiency 120. Last evaluated: 2024-04-24. Review status: criteria provided, single submitter. Criteria: ACMG Guidelines, 2015. Collection method: clinical testing. Allele origin: germline.

GeneDx
Classification: Uncertain significance. Last evaluated: 2024-04-01. Review status: criteria provided, single submitter. Criteria: GeneDx Variant Classification Process June 2021. Collection method: clinical testing. Allele origin: germline. Affected: yes.
Comment: In silico analysis supports that this missense variant does not alter protein structure/function; Has not been previously published as pathogenic or benign to our knowledge

Quest Diagnostics Nichols Institute San Juan Capistrano
Classification: Uncertain significance. Last evaluated: 2017-09-15. Review status: criteria provided, single submitter. Criteria: Quest Diagnostics criteria. Collection method: clinical testing. Allele origin: germline.

NM_002691.4(POLD1):c.781G>A (p.Val261Ile)

Gene: POLD1 (DNA polymerase delta 1, catalytic subunit; plus strand). Cytogenetic location: 19q13.33.
Variant type: single nucleotide variant.
Coding change: c.781G>A on transcript NM_002691.4 (MANE Select); coding-DNA position 781, G replaced by A.
Protein change: p.Val261Ile; replaces valine 261 with isoleucine.
Molecular consequence: missense variant. On other transcripts: non-coding transcript variant (1).
Genome position (GRCh38, 1-based): chr19:50,402,476, G>A. VCF-style: chr19-50402476-G-A. GRCh37 (hg19) VCF-style: chr19-50905733-G-A.
Other names: c.781G>A, p.Val261Ile (NM_001256849.1, NM_001308632.1); c.781G>A (NM_002691.2); short protein forms V261I.
Identifiers: ClinVar variation 574107 (VCV000574107.18), dbSNP rs765448811, ClinGen allele CA9595904.